The following is an entry in ClinVar:

ClinVar aggregate classification (germline): Uncertain significance. Review status: criteria provided, multiple submitters, no conflicts (2 of 4 stars). 2 submissions from 2 submitters: Uncertain significance (2). Last evaluated 2024-08-01.

Conditions:
Hereditary cancer-predisposing syndrome. Also called: Tumor predisposition; Hereditary neoplastic syndrome; Neoplastic Syndromes, Hereditary; Hereditary Cancer Syndrome. Identifiers: Orphanet 140162, MedGen C0027672, MeSH D009386, MONDO:0015356.
Hereditary nonpolyposis colorectal neoplasms. Identifiers: MedGen C0009405, MeSH D003123.

Submissions (2):

Ambry Genetics
Classification: Uncertain significance for Hereditary cancer-predisposing syndrome. Last evaluated: 2024-08-01. Review status: criteria provided, single submitter. Criteria: Ambry Variant Classification Scheme 2023. Collection method: clinical testing. Allele origin: germline.
Comment: The p.D1213N variant (also known as c.3637G>A), located in coding exon 7 of the MSH6 gene, results from a G to A substitution at nucleotide position 3637. The aspartic acid at codon 1213 is replaced by asparagine, an amino acid with highly similar properties. This variant has been identified in conjunction with another MSH6 variant in an individual with features consistent with Lynch syndrome; however, the phase of the MSH6 variants were not determined (Vibert R et al. Eur J Hum Genet, 2023 Sep;31:1078-1082). This amino acid position is highly conserved in available vertebrate species. In addition, this alteration is predicted to be deleterious by in silico analysis. Based on the available evidence, the clinical significance of this variant remains unclear.

Labcorp Genetics (formerly Invitae), Labcorp
Classification: Uncertain significance for Hereditary nonpolyposis colorectal neoplasms. Last evaluated: 2019-03-23. Review status: criteria provided, single submitter. Criteria: Invitae Variant Classification Sherloc (09022015). Collection method: clinical testing. Allele origin: germline.
Comment: In summary, the available evidence is currently insufficient to determine the role of this variant in disease. Therefore, it has been classified as a Variant of Uncertain Significance. This variant is not present in population databases (ExAC no frequency). This variant has not been reported in the literature in individuals with MSH6-related conditions. Algorithms developed to predict the effect of missense changes on protein structure and function are either unavailable or do not agree on the potential impact of this missense change (SIFT: "Deleterious"; PolyPhen-2: "Probably Damaging"; Align-GVGD: "Class C15"). This sequence change replaces aspartic acid with asparagine at codon 1213 of the MSH6 protein (p.Asp1213Asn). The aspartic acid residue is highly conserved and there is a small physicochemical difference between aspartic acid and asparagine.

Literature cited by the submitters: PubMed 37088804 (cited by Ambry Genetics).

NM_000179.3(MSH6):c.3637G>A (p.Asp1213Asn)

Gene: MSH6 (mutS homolog 6; plus strand). Cytogenetic location: 2p16.3.
Variant type: single nucleotide variant.
Coding change: c.3637G>A on transcript NM_000179.3 (MANE Select); coding-DNA position 3637, G replaced by A.
Protein change: p.Asp1213Asn; replaces aspartic acid 1213 with asparagine.
Molecular consequence: missense variant.
Genome position (GRCh38, 1-based): chr2:47,805,698, G>A. VCF-style: chr2-47805698-G-A. GRCh37 (hg19) VCF-style: chr2-48032837-G-A.
Other names: c.3247G>A, p.Asp1083Asn (NM_001281492.2); c.2731G>A, p.Asp911Asn (NM_001281493.2, NM_001281494.2); short protein forms D1213N, D911N, D1083N.
Identifiers: ClinVar variation 857741 (VCV000857741.11), dbSNP rs1572742149, ClinGen allele CA346760615.